The following is an entry in ClinVar:

NM_004415.4(DSP):c.5707C>G (p.Gln1903Glu)

Gene: DSP (desmoplakin; plus strand). Cytogenetic location: 6p24.3.
Variant type: single nucleotide variant.
Coding change: c.5707C>G on transcript NM_004415.4 (MANE Select); coding-DNA position 5707, C replaced by G.
Protein change: p.Gln1903Glu; replaces glutamine 1903 with glutamic acid.
Molecular consequence: missense variant.
Genome position (GRCh38, 1-based): chr6:7,582,969, C>G. VCF-style: chr6-7582969-C-G. GRCh37 (hg19) VCF-style: chr6-7583202-C-G.
Other names: c.3910C>G, p.Gln1304Glu (NM_001008844.3); c.4378C>G, p.Gln1460Glu (NM_001319034.2); short protein forms Q1460E, Q1903E, Q1304E.
Identifiers: ClinVar variation 4785707 (VCV004785707.1).
Genomic context (GRCh38, chr6:7,582,969, plus strand): 5'-TCGGAAAGAGAAAAGAGTGAGAGAGAGAAGAACAGTCTTAGGAGTGAGATCGAAAGACTC[C>G]AAGCAGAGATCAAGAGAATTGAAGAGAGGTGCAGGCGTAAGCTGGAGGATTCTACCAGGG-3'
Protein context (NP_004406.2, residues 1893-1913): NSLRSEIERL[Gln1903Glu]AEIKRIEERC

ClinVar aggregate classification (germline): Uncertain significance (1 of 4 stars; one submission).

Conditions:
Arrhythmogenic cardiomyopathy with wooly hair and keratoderma. Also called: Carvajal syndrome; PALMOPLANTAR KERATODERMA WITH LEFT VENTRICULAR CARDIOMYOPATHY AND WOOLLY HAIR; Dilated cardiomyopathy with woolly hair and keratoderma; Arrhythmogenic cardiomyopathy with woolly hair and keratoderma. Identifiers: Orphanet 65282, MedGen C1854063, MONDO:0011581, OMIM 605676.
Arrhythmogenic right ventricular dysplasia 8 (ARVD8). Also called: Arrhythmogenic Right Ventricular Dysplasia/Cardiomyopathy 8; ARRHYTHMOGENIC RIGHT VENTRICULAR DYSPLASIA, FAMILIAL, 8; ARRHYTHMOGENIC RIGHT VENTRICULAR CARDIOMYOPATHY 8. Identifiers: MedGen C1843896, MONDO:0011831, OMIM 607450.

Submission:

Labcorp Genetics (formerly Invitae), Labcorp
Classification: Uncertain significance for Arrhythmogenic cardiomyopathy with wooly hair and keratoderma; Arrhythmogenic right ventricular dysplasia 8. Last evaluated: 2025-07-29. Review status: criteria provided, single submitter. Criteria: Invitae Variant Classification Sherloc (09022015). Collection method: clinical testing. Allele origin: germline.
Comment: This sequence change replaces glutamine, which is neutral and polar, with glutamic acid, which is acidic and polar, at codon 1903 of the DSP protein (p.Gln1903Glu). This variant is not present in population databases (gnomAD no frequency). This variant has not been reported in the literature in individuals affected with DSP-related conditions. An algorithm developed to predict the effect of missense changes on protein structure and function (PolyPhen-2) suggests that this variant is likely to be disruptive. In summary, the available evidence is currently insufficient to determine the role of this variant in disease. Therefore, it has been classified as a Variant of Uncertain Significance.